The following is an entry in ClinVar:

NM_001042492.3(NF1):c.2288T>C (p.Leu763Pro)

Gene: NF1 (neurofibromin 1; plus strand). Cytogenetic location: 17q11.2.
Variant type: single nucleotide variant.
Coding change: c.2288T>C on transcript NM_001042492.3 (MANE Select); coding-DNA position 2288, T replaced by C.
Protein change: p.Leu763Pro; replaces leucine 763 with proline.
Molecular consequence: missense variant.
Genome position (GRCh38, 1-based): chr17:31,227,254, T>C. VCF-style: chr17-31227254-T-C. GRCh37 (hg19) VCF-style: chr17-29554272-T-C.
Other names: c.2288T>C, p.Leu763Pro (NM_000267.4); short protein forms L763P.
Identifiers: ClinVar variation 68312 (VCV000068312.67), dbSNP rs199474762, ClinGen allele CA192983.

ClinVar aggregate classification (germline): Pathogenic/Likely pathogenic. Review status: criteria provided, multiple submitters, no conflicts (2 of 4 stars). 11 submissions from 11 submitters: Pathogenic (5); Likely pathogenic (5). 1 of the submissions does not count toward it. Last evaluated 2026-03-13.

Conditions:
Hereditary cancer-predisposing syndrome. Also called: Hereditary Cancer Syndrome; Tumor predisposition; Neoplastic Syndromes, Hereditary; Hereditary neoplastic syndrome. Identifiers: Orphanet 140162, MedGen C0027672, MeSH D009386, MONDO:0015356.
Neurofibromatosis-Noonan syndrome (NFNS). Also called: NEUROFIBROMATOSIS WITH NOONAN PHENOTYPE. Identifiers: Orphanet 638, MedGen C2931482, MONDO:0011035, OMIM 601321. Disease mechanism: loss of function.
Café-au-lait macules with pulmonary stenosis (WTSN). Also called: PULMONIC STENOSIS WITH CAFE-AU-LAIT SPOTS. Identifiers: MedGen C0553586, MONDO:0008672, OMIM 193520.
Juvenile myelomonocytic leukemia (JMML). Also called: LEUKEMIA, JUVENILE MYELOMONOCYTIC, SOMATIC. Identifiers: Orphanet 86834, MedGen C0349639, MONDO:0011908, OMIM 607785, HP:0012209.
Neurofibromatosis, familial spinal (FSNF). Identifiers: Orphanet 636, MedGen C1834235, MONDO:0008078, OMIM 162210. Disease mechanism: loss of function.
Neurofibromatosis, type 1 (NF1). Also called: VON RECKLINGHAUSEN DISEASE; Peripheral type neurofibromatosis; Neurofibromatosis, type I; NEUROFIBROMATOSIS, TYPE I, SOMATIC. Identifiers: Orphanet 636, MedGen C0027831, MONDO:0018975, OMIM 162200. Disease mechanism: loss of function.

Allele frequency attached by ClinVar (database versions not stated): gnomAD exomes below 0.00001.
gnomAD v4.1: 2 of 1,613,734 alleles (0.00012%); highest among the groups gnomAD compares: Non-Finnish European, 0.00017%; no homozygotes.

Submissions (11):

GeneDx
Classification: Likely pathogenic. Last evaluated: 2026-03-13. Review status: criteria provided, single submitter. Criteria: GeneDx Variant Classification Process June 2021. Collection method: clinical testing. Allele origin: germline.
Comment: Observed in multiple unrelated patients with a clinical diagnosis of neurofibromatosis type 1 (PMID: 10712197, 30530636, 31370276, 31776437); In silico analysis supports that this missense variant has a deleterious effect on protein structure/function; Not observed at significant frequency in large population cohorts (gnomAD); This variant is associated with the following publications: (PMID: 24803665, 31370276, 30530636, 32107864, 16005615, 31776437, 10712197, 21354044, 34997870, 38764027, 25486365, 39843441, 39669605, 40169570)

Labcorp Genetics (formerly Invitae), Labcorp
Classification: Pathogenic for Neurofibromatosis, type 1. Last evaluated: 2025-11-26. Review status: criteria provided, single submitter. Criteria: Invitae Variant Classification Sherloc (09022015). Collection method: clinical testing. Allele origin: germline.
Comment: This sequence change replaces leucine, which is neutral and non-polar, with proline, which is neutral and non-polar, at codon 763 of the NF1 protein (p.Leu763Pro). This variant is not present in population databases (gnomAD no frequency). This missense change has been observed in individual(s) with neurofibromatosis type 1 (PMID: 10712197, 16005615, 21354044, 30530636, 31370276; internal data). Invitae Evidence Modeling of clinical and family history, age, sex, and reported ancestry of multiple individuals with this NF1 variant has been performed. This variant is expected to be pathogenic with a positive predictive value of at least 99%. This is a validated machine learning model that incorporates the clinical features of 1,785,918 individuals referred to our laboratory for NF1 testing. ClinVar contains an entry for this variant (Variation ID: 68312). Invitae Evidence Modeling of protein sequence and biophysical properties (such as structural, functional, and spatial information, amino acid conservation, physicochemical variation, residue mobility, and thermodynamic stability) indicates that this missense variant is expected to disrupt NF1 protein function with a positive predictive value of 95%. For these reasons, this variant has been classified as Pathogenic.

Victorian Clinical Genetics Services, Murdoch Childrens Research Institute
Classification: Pathogenic for Neurofibromatosis, type 1. Last evaluated: 2025-04-24. Review status: criteria provided, single submitter. Criteria: ACMG Guidelines, 2015. Collection method: clinical testing. Allele origin: germline. Affected: yes.
Comment: This variant is classified as Pathogenic. Evidence in support of pathogenic classification: Variant is present in gnomAD <0.001 for a dominant condition (v4: 2 heterozygote(s), 0 homozygote(s)); This variant has strong previous evidence of pathogenicity in unrelated individuals. This variant has been classified as likely pathogenic and pathogenic by multiple clinical laboratories in ClinVar, and reported in the literature in at least one individual with clinical suspicion of Noonan syndrome (PMID: 32107864). Additional information: Variant is predicted to result in a missense amino acid change from leucine to proline; This variant is heterozygous; This gene is associated with autosomal dominant disease; Loss of function is a known mechanism of disease in this gene and is associated with neurofibromatosis, type 1 (MONDO:0018975); Variants in this gene are known to have variable expressivity. Disease manifestation can be extremely variable, even within a family (PMID: 20301288).

Institute of Medical Genetics and Applied Genomics, University Hospital Tübingen
Classification: Pathogenic for Neurofibromatosis, type 1. Last evaluated: 2024-08-15. Review status: criteria provided, single submitter. Criteria: ACMG Guidelines, 2015. Collection method: clinical testing. Allele origin: germline. Inheritance: Autosomal dominant inheritance. Affected: yes.

Fulgent Genetics
Classification: Likely pathogenic for Neurofibromatosis, type 1; Neurofibromatosis, familial spinal; Café-au-lait macules with pulmonary stenosis; Neurofibromatosis-Noonan syndrome; Juvenile myelomonocytic leukemia. Last evaluated: 2024-01-03. Review status: criteria provided, single submitter. Criteria: ACMG Guidelines, 2015. Collection method: clinical testing. Allele origin: germline.

Genome-Nilou Lab
Classification: Likely pathogenic for Neurofibromatosis, type 1. Last evaluated: 2022-03-15. Review status: criteria provided, single submitter. Criteria: ACMG Guidelines, 2015. Collection method: clinical testing. Allele origin: germline. Affected: no.

ARUP Laboratories, Molecular Genetics and Genomics, ARUP Laboratories
Classification: Likely pathogenic. Last evaluated: 2018-09-27. Review status: criteria provided, single submitter. Criteria: ARUP Molecular Germline Variant Investigation Process. Collection method: clinical testing. Allele origin: germline.
Comment: The NF1 c.2288T>C; p.Leu763Pro variant (rs199474762) has been described in individuals affected with neurofibromatosis type 1, and segregating with disease in at least one family (Cai 2005, Fashold 2000, Valero 2011). It is reported as pathogenic/likely pathogenic in ClinVar (Variation ID: 68312) and is absent from general population databases (1000 Genomes Project, Exome Variant Server, and Genome Aggregation Database), indicating it is not a common polymorphism. The leucine at codon 763 is highly conserved, and computational algorithms (PolyPhen-2, SIFT) predict that this variant is deleterious. Based on available information, this variant is considered likely pathogenic. REFERENCES Cai Y et al. Two novel mutations of the NF1 gene in Chinese Han families with type 1 neurofibromatosis. J Dermatol Sci. 2005 Aug;39(2):125-7. Fashold R et al. Minor lesion mutational spectrum of the entire NF1 gene does not explain its high mutability but points to a functional domain upstream of the GAP-related domain. Am J Hum Genet. 2000 Mar;66(3):790-818. Valero M et al. A highly sensitive genetic protocol to detect NF1 mutations. J Mol Diagn. 2011 Mar;13(2):113-22.

CeGaT Center for Human Genetics Tuebingen
Classification: Pathogenic. Last evaluated: 2018-08-01. Review status: criteria provided, single submitter. Criteria: CeGaT Center For Human Genetics Tuebingen Variant Classification Criteria Version 2. Collection method: clinical testing. Allele origin: germline. Affected: yes. Observed: 2 variant alleles.

Ambry Genetics
Classification: Pathogenic for Hereditary cancer-predisposing syndrome. Last evaluated: 2016-03-09. Review status: criteria provided, single submitter. Criteria: Ambry Autosomal Dominant and X-Linked criteria (10/2015). Collection method: clinical testing. Allele origin: germline. Observed: 1 variant allele.
Comment: The p.L763P pathogenic mutation (also known as c.2288T>C), located in coding exon 19 of the NF1 gene, results from a T to C substitution at nucleotide position 2288. The leucine at codon 763 is replaced by proline, an amino acid with similar properties. This mutation has been observed in multiple individuals meeting clinical NF1 diagnostic criteria, including an apparent de novo mutation in one affected individual with unaffected parents (Fahsold R, Am. J. Hum. Genet. 2000 Mar; 66(3):790-818; Valero MC, J Mol Diagn 2011 Mar; 13(2):113-22).<span style="background-color:initial">Based on protein sequence alignment, this amino acid position is highly conserved in available vertebrate species. In addition, this alteration is predicted to be deleterious by in silico analysis. Based on the available evidence, p.L763P is classified as a pathogenic mutation.

Laboratory for Molecular Medicine, Mass General Brigham Personalized Medicine
Classification: Likely pathogenic for Neurofibromatosis, type 1. Last evaluated: 2015-07-30. Review status: criteria provided, single submitter. Criteria: LMM Criteria. Collection method: clinical testing. Allele origin: germline. Inheritance: Autosomal dominant inheritance. Observed: 1 variant allele.
Comment: The p.Leu763Pro variant in NF1 has been reported in 2 individuals with Neurofibr omatosis type 1, with an apparently de novo occurence in one of these individual s (Fahsold 2000, Valero 2011). This variant was absent from large population stu dies. Computational prediction tools and conservation analysis do not provide st rong support for or against an impact to the protein. In summary, although addit ional studies are required to fully establish its clinical significance, the p.L eu763Pro variant is likely pathogenic.

UniProtKB/Swiss-Prot
No classification provided. Review status: no classification provided. Collection method: not provided. Allele origin: not provided. Not counted in ClinVar's aggregate classification.

Literature cited by the submitters: PubMed 10712197 (cited by 3 submitters); PubMed 16005615 (cited by Labcorp Genetics (formerly Invitae), Labcorp); PubMed 21354044 (cited by 3 submitters); PubMed 30530636 (cited by Labcorp Genetics (formerly Invitae), Labcorp); PubMed 31370276 (cited by Labcorp Genetics (formerly Invitae), Labcorp); PubMed 20301288 (cited by Victorian Clinical Genetics Services, Murdoch Childrens Research Institute); PubMed 32107864 (cited by Victorian Clinical Genetics Services, Murdoch Childrens Research Institute).